The following is an entry in ClinVar:

NM_019074.4(DLL4):c.1349C>T (p.Ala450Val)

Gene: DLL4 (delta like canonical Notch ligand 4; plus strand). Cytogenetic location: 15q15.1.
Variant type: single nucleotide variant.
Coding change: c.1349C>T on transcript NM_019074.4 (MANE Select); coding-DNA position 1349, C replaced by T.
Protein change: p.Ala450Val; replaces alanine 450 with valine.
Molecular consequence: missense variant.
Genome position (GRCh38, 1-based): chr15:40,936,336, C>T. VCF-style: chr15-40936336-C-T. GRCh37 (hg19) VCF-style: chr15-41228534-C-T.
Other names: c.1349C>T (NM_019074.3); short protein forms A450V.
Identifiers: ClinVar variation 3684212 (VCV003684212.3).

ClinVar aggregate classification (germline): Uncertain significance. Review status: criteria provided, multiple submitters, no conflicts (2 of 4 stars). 2 submissions from 2 submitters: Uncertain significance (2). Last evaluated 2025-02-06.

Conditions:
Inborn genetic diseases. Identifiers: MedGen C0950123, MeSH D030342.

gnomAD v4.1: 2 of 1,609,954 alleles (0.00012%); highest among the groups gnomAD compares: Admixed American, 0.0017%; no homozygotes.

Submissions (2):

Ambry Genetics
Classification: Uncertain significance for Inborn genetic diseases. Last evaluated: 2025-02-06. Review status: criteria provided, single submitter. Criteria: Ambry Variant Classification Scheme 2023. Collection method: clinical testing. Allele origin: germline.

Labcorp Genetics (formerly Invitae), Labcorp
Classification: Uncertain significance. Last evaluated: 2024-11-18. Review status: criteria provided, single submitter. Criteria: Invitae Variant Classification Sherloc (09022015). Collection method: clinical testing. Allele origin: germline.
Comment: This sequence change replaces alanine, which is neutral and non-polar, with valine, which is neutral and non-polar, at codon 450 of the DLL4 protein (p.Ala450Val). This variant is present in population databases (no rsID available, gnomAD 0.003%). This variant has not been reported in the literature in individuals affected with DLL4-related conditions. Invitae Evidence Modeling of protein sequence and biophysical properties (such as structural, functional, and spatial information, amino acid conservation, physicochemical variation, residue mobility, and thermodynamic stability) indicates that this missense variant is not expected to disrupt DLL4 protein function with a negative predictive value of 80%. In summary, the available evidence is currently insufficient to determine the role of this variant in disease. Therefore, it has been classified as a Variant of Uncertain Significance.